The following is an entry in ClinVar:

NM_001257.5(CDH13):c.636+8C>T

Gene: CDH13 (cadherin 13; plus strand). Cytogenetic location: 16q23.3.
Variant type: single nucleotide variant.
Coding change: c.636+8C>T on transcript NM_001257.5 (MANE Select); 8 bases into the intron after coding-DNA position 636, C replaced by T.
Molecular consequence: intron variant.
Genome position (GRCh38, 1-based): chr16:83,217,505, C>T. VCF-style: chr16-83217505-C-T. GRCh37 (hg19) VCF-style: chr16-83251110-C-T.
Other names: c.777+8C>T (NM_001220488.1, NM_001220488.2); c.519+8C>T (NM_001220489.2); c.-127+8C>T (NM_001220490.2).
Identifiers: ClinVar variation 731681 (VCV000731681.30), dbSNP rs200102690, ClinGen allele CA8196435.
Genomic context (GRCh38, chr16:83,217,505, plus strand): 5'-GGAGCGTCTCCGTGACACGGACCTTGGACAGAGAAGTAATCGCTGTTTATCAAGTGAGTA[C>T]CCCTCTCCCATGCCCACCCTGTGCGCAGAAATGTGGCTTTCAAAGATTGTTTTCTTCCCA-3'

ClinVar aggregate classification (germline): Benign/Likely benign. Review status: criteria provided, multiple submitters, no conflicts (2 of 4 stars). 4 submissions from 4 submitters: Benign (1); Likely benign (2). 1 of the submissions does not count toward it. Last evaluated 2026-06-01.

Conditions:
CDH13-related disorder. Also called: CDH13-related condition.

Allele frequency attached by ClinVar (database versions not stated): ESP Exome Variant Server 0.00090; 1000 Genomes Project 30x 0.00094; 1000 Genomes Project 0.00120; TOPMed 0.00137.
gnomAD v4.1: 2,026 of 1,611,410 alleles (0.13%); highest among the groups gnomAD compares: Middle Eastern, 0.98%; 6 homozygotes.

Submissions (4):

CeGaT Center for Human Genetics Tuebingen
Classification: Benign. Last evaluated: 2026-06-01. Review status: criteria provided, single submitter. Criteria: CeGaT Center For Human Genetics Tuebingen Variant Classification Criteria Version 2. Collection method: clinical testing. Allele origin: germline. Affected: yes. Observed: 2 variant alleles.
Comment: CDH13: BP4, BS1, BS2

Labcorp Genetics (formerly Invitae), Labcorp
Classification: Likely benign. Last evaluated: 2019-12-31. Review status: criteria provided, single submitter. Criteria: Invitae Variant Classification Sherloc (09022015). Collection method: clinical testing. Allele origin: germline.

Breakthrough Genomics
Classification: Likely benign. Review status: criteria provided, single submitter. Criteria: ACMG Guidelines, 2015. Collection method: not provided. Allele origin: germline. Inheritance: Unknown mechanism. Affected: yes.

PreventionGenetics, part of Exact Sciences
Classification: Benign for CDH13-related condition. Last evaluated: 2020-02-24. Review status: no assertion criteria provided. Collection method: clinical testing. Allele origin: germline. Not counted in ClinVar's aggregate classification.
Comment: This variant is classified as benign based on ACMG/AMP sequence variant interpretation guidelines (Richards et al. 2015 PMID: 25741868, with internal and published modifications).